The following is an entry in ClinVar:

NM_022166.4(XYLT1):c.2272G>C (p.Gly758Arg)

Gene: XYLT1 (xylosyltransferase 1; minus strand). Cytogenetic location: 16p12.3.
Variant type: single nucleotide variant.
Coding change: c.2272G>C on transcript NM_022166.4 (MANE Select); coding-DNA position 2272, G replaced by C.
Protein change: p.Gly758Arg; replaces glycine 758 with arginine.
Molecular consequence: missense variant.
Genome position (GRCh38, 1-based): chr16:17,117,931, C>G on the plus strand (G>C on the coding strand, the complement: XYLT1 is on the minus strand). VCF-style: chr16-17117931-C-G. GRCh37 (hg19) VCF-style: chr16-17211788-C-G.
Other names: short protein forms G758R.
Identifiers: ClinVar variation 2073724 (VCV002073724.4), dbSNP rs906275352, ClinGen allele CA279078928.

ClinVar aggregate classification (germline): Uncertain significance (1 of 4 stars; one submission).

Conditions:
Desbuquois dysplasia 1 (DBQD1). Also called: DESBUQUOIS DYSPLASIA 1, KIM VARIANT; MICROMELIC DWARFISM WITH VERTEBRAL AND METAPHYSEAL ABNORMALITIES AND ADVANCED CARPOTARSAL OSSIFICATION. Identifiers: Orphanet 1425, MedGen C4012146, MONDO:0009629, OMIM 251450.

Allele frequency attached by ClinVar (database versions not stated): gnomAD exomes 0.00001.
gnomAD v4.1: 7 of 1,613,908 alleles (0.00043%); highest among the groups gnomAD compares: Admixed American, 0.0067%; no homozygotes.

Submission:

Labcorp Genetics (formerly Invitae), Labcorp
Classification: Uncertain significance for Desbuquois dysplasia 1. Last evaluated: 2024-08-19. Review status: criteria provided, single submitter. Criteria: Invitae Variant Classification Sherloc (09022015). Collection method: clinical testing. Allele origin: germline.
Comment: This sequence change replaces glycine, which is neutral and non-polar, with arginine, which is basic and polar, at codon 758 of the XYLT1 protein (p.Gly758Arg). This variant is present in population databases (no rsID available, gnomAD 0.009%). This variant has not been reported in the literature in individuals affected with XYLT1-related conditions. ClinVar contains an entry for this variant (Variation ID: 2073724). Invitae Evidence Modeling of protein sequence and biophysical properties (such as structural, functional, and spatial information, amino acid conservation, physicochemical variation, residue mobility, and thermodynamic stability) indicates that this missense variant is not expected to disrupt XYLT1 protein function with a negative predictive value of 80%. In summary, the available evidence is currently insufficient to determine the role of this variant in disease. Therefore, it has been classified as a Variant of Uncertain Significance.